The following is an entry in ClinVar:

ClinVar aggregate classification (germline): Uncertain significance (1 of 4 stars; one submission).

Conditions:
KLF4-related disorder. Also called: KLF4-related condition.

Allele frequency attached by ClinVar (database versions not stated): 1000 Genomes Project 30x 0.00016; 1000 Genomes Project 0.00020; ESP Exome Variant Server 0.00092.
gnomAD v4.1: 879 of 1,612,638 alleles (0.055%); highest among the groups gnomAD compares: Non-Finnish European, 0.067%; 1 homozygote.

Submission:

PreventionGenetics, part of Exact Sciences
Classification: Uncertain significance for KLF4-related condition. Last evaluated: 2026-07-20. Review status: criteria provided, single submitter. Criteria: ACMG Guidelines, 2015. Collection method: clinical testing. Allele origin: germline.
Comment: The KLF4 c.341C>A variant is predicted to result in the amino acid substitution p.Thr114Asn. To our knowledge, this variant has not been reported in the literature. This variant is reported in 0.10% of alleles in individuals of European (Non-Finnish) descent in gnomAD. Although we suspect that this variant may be benign, at this time, the clinical significance of this variant is uncertain due to the absence of conclusive functional and genetic evidence.

NM_004235.6(KLF4):c.341C>A (p.Thr114Asn)

Gene: KLF4 (KLF transcription factor 4; minus strand). Cytogenetic location: 9q31.2.
Variant type: single nucleotide variant.
Coding change: c.341C>A on transcript NM_004235.6 (MANE Select); coding-DNA position 341, C replaced by A.
Protein change: p.Thr114Asn; replaces threonine 114 with asparagine.
Molecular consequence: missense variant.
Genome position (GRCh38, 1-based): chr9:107,488,053, G>T on the plus strand (C>A on the coding strand, the complement: KLF4 is on the minus strand). VCF-style: chr9-107488053-G-T. GRCh37 (hg19) VCF-style: chr9-110250334-G-T.
Other names: c.341C>A, p.Thr114Asn (NM_001314052.2); short protein forms T114N.
Identifiers: ClinVar variation 2634269 (VCV002634269.2), dbSNP rs150375845, ClinGen allele CA5173313.
Genomic context (GRCh38, chr9:107,488,053, plus strand): 5'-GACGAAGAGGAGGCTGACGCTGACGAGGACACGGTGGCGGCCACTGACTCCGGAGGATGG[G>T]TCAGCGAATTGGAGAGAATAAAGTCCAGGTCCAGGAGATCGTTGAACTCCTCGGTCTCTC-3'
Protein context (NP_004226.3, residues 104-124): DLDFILSNSL[Thr114Asn]HPPESVAATV